The following is an entry in ClinVar:

ClinVar aggregate classification (germline): Conflicting classifications of pathogenicity. Review status: criteria provided, conflicting classifications (1 of 4 stars). 2 submissions from 2 submitters: Likely pathogenic (1); Uncertain significance (1). Last evaluated 2022-07-18.

Allele frequency attached by ClinVar (database versions not stated): gnomAD exomes below 0.00001; ExAC 0.00001.
gnomAD v4.1: 2 of 1,071,396 alleles (0.00019%); highest among the groups gnomAD compares: Admixed American, 0.0038%; no homozygotes.

Submissions (2):

Labcorp Genetics (formerly Invitae), Labcorp
Classification: Likely pathogenic. Last evaluated: 2022-07-18. Review status: criteria provided, single submitter. Criteria: Invitae Variant Classification Sherloc (09022015). Collection method: clinical testing. Allele origin: germline.
Comment: In summary, the currently available evidence indicates that the variant is pathogenic, but additional data are needed to prove that conclusively. Therefore, this variant has been classified as Likely Pathogenic. Algorithms developed to predict the effect of sequence changes on RNA splicing suggest that this variant is not likely to affect RNA splicing. This variant has been observed in individual(s) with clinical features of Usher syndrome (Invitae). In at least one individual the data is consistent with being in trans (on the opposite chromosome) from a pathogenic variant. This variant is present in population databases (rs782000647, gnomAD 0.006%). This sequence change falls in intron 9 of the MYO7A gene. It does not directly change the encoded amino acid sequence of the MYO7A protein.

Blueprint Genetics
Classification: Uncertain significance. Last evaluated: 2018-06-01. Review status: criteria provided, single submitter. Criteria: ACMG Guidelines, 2015. Collection method: clinical testing. Allele origin: germline.

NM_000260.4(MYO7A):c.1004-7C>G

Gene: MYO7A (myosin VIIA; plus strand). Cytogenetic location: 11q13.5.
Variant type: single nucleotide variant.
Coding change: c.1004-7C>G on transcript NM_000260.4 (MANE Select); 7 bases into the intron before coding-DNA position 1004, C replaced by G.
Molecular consequence: intron variant.
Genome position (GRCh38, 1-based): chr11:77,159,440, C>G. VCF-style: chr11-77159440-C-G. GRCh37 (hg19) VCF-style: chr11-76870486-C-G.
Other names: c.971-7C>G (NM_001369365.1); c.1004-7C>G (NM_001127180.2).
Identifiers: ClinVar variation 2048699 (VCV002048699.5), dbSNP rs782000647, ClinGen allele CA6197341.
Genomic context (GRCh38, chr11:77,159,440, plus strand): 5'-AGGACTGTCCCCTTGCCCCTGTTGCCCACCCTCCCTCCCCTGATGCTGTGCCCCTTGCTG[C>G]CAACAGCACGCACATTTGAAAACCTGGATGCCTGTGAGGTTCTCTTCTCCCCATCGCTGG-3'